The following is an entry in ClinVar:

NM_000094.4(COL7A1):c.129G>A (p.Leu43=)

Gene: COL7A1 (collagen type VII alpha 1 chain; minus strand). Cytogenetic location: 3p21.31.
Variant type: single nucleotide variant.
Coding change: c.129G>A on transcript NM_000094.4 (MANE Select); coding-DNA position 129, G replaced by A.
Protein change: p.Leu43=; no amino-acid change (leucine 43 retained).
Molecular consequence: synonymous variant.
Genome position (GRCh38, 1-based): chr3:48,594,505, C>T on the plus strand (G>A on the coding strand, the complement: COL7A1 is on the minus strand). VCF-style: chr3-48594505-C-T. GRCh37 (hg19) VCF-style: chr3-48631938-C-T.
Identifiers: ClinVar variation 2420678 (VCV002420678.6), dbSNP rs769053953, ClinGen allele CA2381637.
Genomic context (GRCh38, chr3:48,594,505, plus strand): 5'-CCCTTCGAGAAAGCTGCGGACCTCGCGGAAATTGCTGCGGCCAATGGATGAGGAGCCATC[C>T]AGTAAGAACACAATGTCAGCGGCGTAAAGGCGCGTGCAGGTCACTGGGGCGGGCAGGAGA-3'
Protein context (NP_000085.1, residues 33-53): RLYAADIVFL[Leu43=]DGSSSIGRSN

ClinVar aggregate classification (germline): Conflicting classifications of pathogenicity. Review status: criteria provided, conflicting classifications (1 of 4 stars). 2 submissions from 2 submitters: Uncertain significance (1); Likely benign (1). Last evaluated 2025-10-29.

Conditions:
COL7A1-related disorder. Also called: COL7A1- related disorders; COL7A1-related condition.

Allele frequency attached by ClinVar (database versions not stated): gnomAD exomes below 0.00001; TOPMed below 0.00001; ExAC 0.00001; gnomAD 0.00001.
gnomAD v4.1: 3 of 1,611,788 alleles (0.00019%); highest among the groups gnomAD compares: African/African-American, 0.0013%; no homozygotes.

Submissions (2):

PreventionGenetics, part of Exact Sciences
Classification: Uncertain significance for COL7A1-related condition. Last evaluated: 2025-10-29. Review status: criteria provided, single submitter. Criteria: ACMG Guidelines, 2015. Collection method: clinical testing. Allele origin: germline.
Comment: The COL7A1 c.129G>A variant is not predicted to result in an amino acid change (p.=). Based on available splicing prediction programs (Alamut Visual v1.6.1; SpliceAI, Jaganathan et al. 2019. PubMed ID: 30661751), this variant is predicted to create a cryptic splice acceptor site; however, the use of computer prediction programs is not equivalent to functional evidence. To our knowledge, this variant has not been reported in the literature. This variant is reported in 0.0062% of alleles in individuals of African descent in gnomAD. At this time, the clinical significance of this variant is uncertain due to the absence of conclusive functional and genetic evidence.

Labcorp Genetics (formerly Invitae), Labcorp
Classification: Likely benign. Last evaluated: 2022-03-24. Review status: criteria provided, single submitter. Criteria: Invitae Variant Classification Sherloc (09022015). Collection method: clinical testing. Allele origin: germline.